The following is an entry in ClinVar:

ClinVar aggregate classification (germline): Pathogenic (1 of 4 stars; one submission).

Submission:

ISCA site 4
Classification: Pathogenic. Last evaluated: 2011-08-12. Review status: criteria provided, single submitter. Criteria: Kaminsky et al. (Genet Med. 2011). Collection method: clinical testing. Allele origin: unknown. Affected: yes. Observed: 1 variant allele.
Comment: Copy number variation identified through the course of routine clinical cytogenomic testing in postnatal populations. Clinical assertions have been curated as described in Kaminsky et al. 2011.

GRCh38/hg38 14q11.2(chr14:20151149-23442195)x3

Genes: ABHD4 (abhydrolase domain containing 4, N-acyl phospholipase B; plus strand), ACIN1 (apoptotic chromatin condensation inducer 1; minus strand), AJUBA (ajuba LIM protein; minus strand), ANG (angiogenin; plus strand), APEX1 (apurinic/apyrimidinic endodeoxyribonuclease 1; plus strand) and 397 more. Cytogenetic location: 14q11.2.
Variant type: copy number gain.
Change: copy number 3 (three copies instead of two) of chr14:20,151,149-23,442,195 (3.29 Mb, GRCh38 coordinates, 1-based), cytogenetic band 14q11.2.
Identifiers: ClinVar variation 57246 (VCV000057246.1).